The following is an entry in ClinVar:

ClinVar aggregate classification (germline): Pathogenic. Review status: criteria provided, multiple submitters, no conflicts (2 of 4 stars). 5 submissions from 5 submitters: Pathogenic (4). 1 of the submissions does not count toward it. Last evaluated 2025-07-09.

Conditions:
DNMT3B-related disorders.
Centromeric instability of chromosomes 1,9 and 16 and immunodeficiency (ICF1). Also called: Immunodeficiency-centromeric instability-facial anomalies; CENTROMERIC INSTABILITY, IMMUNODEFICIENCY SYNDROME; IMMUNE DEFICIENCY, VARIABLE, WITH CENTROMERIC INSTABILITY OF CHROMOSOMES 1, 9, AND 16; IMMUNODEFICIENCY SYNDROME, VARIABLE. Identifiers: Orphanet 2268, MedGen C0398788, MONDO:0000133.
Immunodeficiency-centromeric instability-facial anomalies syndrome 1 (ICF1). Identifiers: Orphanet 2268, MedGen C4551557, MONDO:0009454, OMIM 242860.

Allele frequency attached by ClinVar (database versions not stated): TOPMed 0.00002.
gnomAD v4.1: 64 of 1,614,042 alleles (0.004%); highest among the groups gnomAD compares: Non-Finnish European, 0.005%; no homozygotes.

Submissions (5):

Labcorp Genetics (formerly Invitae), Labcorp
Classification: Pathogenic for Centromeric instability of chromosomes 1,9 and 16 and immunodeficiency. Last evaluated: 2025-07-09. Review status: criteria provided, single submitter. Criteria: Invitae Variant Classification Sherloc (09022015). Collection method: clinical testing. Allele origin: germline.
Comment: This sequence change replaces valine, which is neutral and non-polar, with methionine, which is neutral and non-polar, at codon 818 of the DNMT3B protein (p.Val818Met). This variant is present in population databases (rs121908940, gnomAD 0.006%). This missense change has been observed in individual(s) with clinical features of immunodeficiency, centromere instability, and facial anomalies (ICF) syndrome (PMID: 10647011, 11102980, 15580563). This variant is also known as p.V810M. ClinVar contains an entry for this variant (Variation ID: 6734). Invitae Evidence Modeling of protein sequence and biophysical properties (such as structural, functional, and spatial information, amino acid conservation, physicochemical variation, residue mobility, and thermodynamic stability) indicates that this missense variant is expected to disrupt DNMT3B protein function with a positive predictive value of 95%. Experimental studies have shown that this missense change affects DNMT3B function (PMID: 11919202). For these reasons, this variant has been classified as Pathogenic.

Women's Health and Genetics/Laboratory Corporation of America, LabCorp
Classification: Pathogenic for Immunodeficiency-centromeric instability-facial anomalies syndrome 1. Last evaluated: 2024-12-10. Review status: criteria provided, single submitter. Criteria: LabCorp Variant Classification Summary - May 2015. Collection method: clinical testing. Allele origin: germline.
Comment: Variant summary: DNMT3B c.2452G>A (p.Val818Met) results in a conservative amino acid change located in the S-adenosyl-L-methionine-dependent methyltransferases (IPR029063) of the encoded protein sequence. Four of five in-silico tools predict a damaging effect of the variant on protein function. The variant allele was found at a frequency of 2.8e-05 in 251326 control chromosomes. c.2452G>A has been reported in the literature in homozygous and compound heterozygous individuals affected with ICF Syndrome, Type 1 (Xu_1999, Wijmenga_2000, Jiang_2005). These data indicate that the variant is likely to be associated with disease. Two publications report experimental evidence evaluating an impact on protein function. The most pronounced variant effect results in <10% of normal methylation activity (Gowher_2002, Cho_2024). The following publications have been ascertained in the context of this evaluation (PMID: 39290110, 11919202, 15580563, 11102980, 10647011). ClinVar contains an entry for this variant (Variation ID: 6734). Based on the evidence outlined above, the variant was classified as pathogenic.

Blueprint Genetics
Classification: Pathogenic for DNMT3B-related disorders. Last evaluated: 2024-08-29. Review status: criteria provided, single submitter. Criteria: ACMG Guidelines, 2015. Collection method: clinical testing. Allele origin: germline. Affected: yes. Observed: 5 variant alleles.

Illumina Laboratory Services, Illumina
Classification: Pathogenic for Immunodeficiency-centromeric instability-facial anomalies syndrome 1. Last evaluated: 2017-07-27. Review status: criteria provided, single submitter. Criteria: ICSL Variant Classification Criteria 09 May 2019. Collection method: clinical testing. Allele origin: germline.
Comment: The DNMT3B c.2452G>A (p.Val818Met) variant, also referred to as p.Val810Met, has been reported in three studies and is found in four individuals, two with the variant in a homozygous state and two with the variant in a compound heterozygous. All individuals were diagnosed with immunodeficiency-centromeric instability-facial anomalies syndrome (Xu et al. 1999; Wijmenga et al. 2000; Jiang et al. 2005). The parents of one homozygous individual were confirmed to be unaffected heterozygous carriers (Xu et al. 1999). Control data are unavailable for this variant, which is reported at a frequency of 0.00006 in the European (non-Finnish) population of the Exome Aggregation Consortium. The p.Val818Met variant is present in a catalytic domain. Gowher and Jeltsch (2002) used site directed mutagenesis of murine cDNA to generate variant protein which was evaluated to quantify the effect on catalytic activity. The rate of DNA methylation of classical satellites was found to be <10% of wild type. A second study that used patient leukocyte or fibroblast cultures also noted hypomethylation of the classical satellites, whereas the alpha satellites had methylation comparable to wild type (Jiang et al. 2005). Based on the collective evidence, the p.Val818Met variant is classified as pathogenic for immunodeficiency-centromeric instability-facial anomalies syndrome. This variant was observed by ICSL as part of a predisposition screen in an ostensibly healthy population.

OMIM
Classification: Pathogenic for IMMUNODEFICIENCY-CENTROMERIC INSTABILITY-FACIAL ANOMALIES SYNDROME 1. Last evaluated: 1999-11-11. Review status: no assertion criteria provided. Collection method: literature only. Allele origin: germline. Not counted in ClinVar's aggregate classification.

Literature cited by the submitters: PubMed 10647011 (cited by 4 submitters); PubMed 11102980 (cited by 3 submitters); PubMed 15580563 (cited by 3 submitters); PubMed 11919202 (cited by 3 submitters); PubMed 39290110 (cited by Women's Health and Genetics/Laboratory Corporation of America, LabCorp).

NM_006892.4(DNMT3B):c.2452G>A (p.Val818Met)

Gene: DNMT3B (DNA methyltransferase 3 beta; plus strand). Cytogenetic location: 20q11.21.
Variant type: single nucleotide variant.
Coding change: c.2452G>A on transcript NM_006892.4 (MANE Select); coding-DNA position 2452, G replaced by A.
Protein change: p.Val818Met; replaces valine 818 with methionine.
Molecular consequence: missense variant.
Genome position (GRCh38, 1-based): chr20:32,807,793, G>A. VCF-style: chr20-32807793-G-A. GRCh37 (hg19) VCF-style: chr20-31395599-G-A.
Other names: c.2077G>A, p.Val693Met (NM_001207055.2); c.1975G>A, p.Val659Met (NM_001207056.2); c.2392G>A, p.Val798Met (NM_175848.2); c.2203G>A, p.Val735Met (NM_175849.2); c.2428G>A, p.Val810Met (NM_175850.3); short protein forms V810M, V818M, V693M, V659M, V798M, V735M.
Identifiers: ClinVar variation 6734 (VCV000006734.14), dbSNP rs121908940, ClinGen allele CA118461.
Genomic context (GRCh38, chr20:32,807,793, plus strand): 5'-TTGCTGTCTTTTCACTCCGGTACCCCCAGGATCTTTGGCTTTCCTGTGCACTACACAGAC[G>A]TGTCCAACATGGGCCGTGGTGCCCGCCAGAAGCTGCTGGGAAGGTCCTGGAGCGTGCCTG-3'
Protein context (NP_008823.1, residues 808-828): IFGFPVHYTD[Val818Met]SNMGRGARQK